The following is an entry in ClinVar:

ClinVar aggregate classification (germline): Likely benign (0 of 4 stars; one submission).

Conditions:
RHEX-related disorder. Also called: RHEX-related condition.

Allele frequency attached by ClinVar (database versions not stated): ESP Exome Variant Server 0.00238; ExAC 0.00254; gnomAD 0.00275; 1000 Genomes Project 30x 0.00297; gnomAD exomes 0.00334; 1000 Genomes Project 0.00339; TOPMed 0.00222.

Submission:

PreventionGenetics, part of Exact Sciences
Classification: Likely benign for RHEX-related condition. Last evaluated: 2019-06-06. Review status: no assertion criteria provided. Collection method: clinical testing. Allele origin: germline.
Comment: This variant is classified as likely benign based on ACMG/AMP sequence variant interpretation guidelines (Richards et al. 2015 PMID: 25741868, with internal and published modifications).

NM_001007544.4(RHEX):c.264C>T (p.Ser88=)

Gene: RHEX (regulator of hemoglobinization and erythroid cell expansion; plus strand). Cytogenetic location: 1q32.1.
Variant type: single nucleotide variant.
Coding change: c.264C>T on transcript NM_001007544.4 (MANE Select); coding-DNA position 264, C replaced by T.
Protein change: p.Ser88=; no amino-acid change (serine 88 retained).
Molecular consequence: synonymous variant.
Genome position (GRCh38, 1-based): chr1:206,101,143, C>T. VCF-style: chr1-206101143-C-T. GRCh37 (hg19) VCF-style: chr1-206240188-G-A.
Other names: c.264C>T, p.Ser88= (NM_001369490.1).
Identifiers: ClinVar variation 3043592 (VCV003043592.2), dbSNP rs147914249, ClinGen allele CA1359626.